The following is an entry in ClinVar:

NM_198578.4(LRRK2):c.7087C>A (p.Leu2363Ile)

Gene: LRRK2 (leucine rich repeat kinase 2; plus strand). Cytogenetic location: 12q12.
Variant type: single nucleotide variant.
Coding change: c.7087C>A on transcript NM_198578.4 (MANE Select); coding-DNA position 7087, C replaced by A.
Protein change: p.Leu2363Ile; replaces leucine 2363 with isoleucine.
Molecular consequence: missense variant.
Genome position (GRCh38, 1-based): chr12:40,363,460, C>A. VCF-style: chr12-40363460-C-A. GRCh37 (hg19) VCF-style: chr12-40757262-C-A.
Other names: short protein forms L2363I.
Identifiers: ClinVar variation 3229771 (VCV003229771.1), dbSNP rs1218220807, ClinGen allele CA384413297.

ClinVar aggregate classification (germline): Uncertain significance (1 of 4 stars; one submission).

Conditions:
Inborn genetic diseases. Identifiers: MedGen C0950123, MeSH D030342.

Submission:

Ambry Genetics
Classification: Uncertain significance for Inborn genetic diseases. Last evaluated: 2024-02-16. Review status: criteria provided, single submitter. Criteria: Ambry Variant Classification Scheme 2023. Collection method: clinical testing. Allele origin: germline.
Comment: The p.L2363I variant (also known as c.7087C>A), located in coding exon 48 of the LRRK2 gene, results from a C to A substitution at nucleotide position 7087. The leucine at codon 2363 is replaced by isoleucine, an amino acid with highly similar properties. This amino acid position is conserved. In addition, this alteration is predicted to be tolerated by in silico analysis. Based on the available evidence, the clinical significance of this alteration remains unclear.